The following is an entry in ClinVar:

ClinVar aggregate classification (germline): Uncertain significance (1 of 4 stars; one submission).

Submission:

Labcorp Genetics (formerly Invitae), Labcorp
Classification: Uncertain significance. Last evaluated: 2024-05-27. Review status: criteria provided, single submitter. Criteria: Invitae Variant Classification Sherloc (09022015). Collection method: clinical testing. Allele origin: germline.
Comment: This sequence change replaces proline, which is neutral and non-polar, with serine, which is neutral and polar, at codon 19 of the GNPTG protein (p.Pro19Ser). This variant is present in population databases (no rsID available, gnomAD 0.006%). This variant has not been reported in the literature in individuals affected with GNPTG-related conditions. Algorithms developed to predict the effect of missense changes on protein structure and function output the following: SIFT: "Not Available"; PolyPhen-2: "Not Available"; Align-GVGD: "Not Available". The serine amino acid residue is found in multiple mammalian species, which suggests that this missense change does not adversely affect protein function. In summary, the available evidence is currently insufficient to determine the role of this variant in disease. Therefore, it has been classified as a Variant of Uncertain Significance.

NM_032520.5(GNPTG):c.55C>T (p.Pro19Ser)

Genes: GNPTG (N-acetylglucosamine-1-phosphate transferase subunit gamma; plus strand), LOC130058158 (ATAC-STARR-seq lymphoblastoid silent region 6972; plus strand). Cytogenetic location: 16p13.3.
Variant type: single nucleotide variant.
Coding change: c.55C>T on transcript NM_032520.5 (MANE Select); coding-DNA position 55, C replaced by T.
Protein change: p.Pro19Ser; replaces proline 19 with serine.
Molecular consequence: missense variant.
Genome position (GRCh38, 1-based): chr16:1,352,104, C>T. VCF-style: chr16-1352104-C-T. GRCh37 (hg19) VCF-style: chr16-1402105-C-T.
Other names: short protein forms P19S.
Identifiers: ClinVar variation 3623203 (VCV003623203.2).